The following is an entry in ClinVar:

NM_003036.4(SKI):c.969+316C>T

Gene: SKI (SKI proto-oncogene; plus strand). Cytogenetic location: 1p36.33.
Variant type: single nucleotide variant.
Coding change: c.969+316C>T on transcript NM_003036.4 (MANE Select); 316 bases into the intron after coding-DNA position 969, C replaced by T.
Molecular consequence: intron variant.
Genome position (GRCh38, 1-based): chr1:2,230,051, C>T. VCF-style: chr1-2230051-C-T. GRCh37 (hg19) VCF-style: chr1-2161490-C-T.
Identifiers: ClinVar variation 680782 (VCV000680782.1), dbSNP rs3765930, ClinGen allele CA10711789.

ClinVar aggregate classification (germline): Benign (1 of 4 stars; one submission).

Allele frequency attached by ClinVar (database versions not stated): 1000 Genomes Project 0.20308; TOPMed 0.20737; gnomAD 0.20748 and 0.20949; 1000 Genomes Project 30x 0.20956.
gnomAD v4.1: 31,558 of 152,182 alleles (21%); highest among the groups gnomAD compares: African/African-American, 32%; 3,736 homozygotes.

Submission:

GeneDx
Classification: Benign. Last evaluated: 2018-06-14. Review status: criteria provided, single submitter. Criteria: GeneDx Variant Classification (06012015). Collection method: clinical testing. Allele origin: germline. Affected: yes.
Comment: This variant is considered likely benign or benign based on one or more of the following criteria: it is a conservative change, it occurs at a poorly conserved position in the protein, it is predicted to be benign by multiple in silico algorithms, and/or has population frequency not consistent with disease.